The following is an entry in ClinVar:

NM_003072.5(SMARCA4):c.4074C>T (p.Thr1358=)

Gene: SMARCA4 (SWI/SNF related BAF chromatin remodeling complex subunit ATPase 4; plus strand). Cytogenetic location: 19p13.2.
Variant type: single nucleotide variant.
Coding change: c.4074C>T on transcript NM_003072.5 (MANE Select); coding-DNA position 4074, C replaced by T.
Protein change: p.Thr1358=; no amino-acid change (threonine 1358 retained).
Molecular consequence: synonymous variant. On other transcripts: non-coding transcript variant (1).
Genome position (GRCh38, 1-based): chr19:11,035,036, C>T. VCF-style: chr19-11035036-C-T. GRCh37 (hg19) VCF-style: chr19-11145712-C-T.
Other names: c.4074C>T, p.Thr1358= (NM_001128844.3, NM_001128849.3, NM_001387283.1); c.3975C>T, p.Thr1325= (NM_001128845.2, NM_001128846.2, NM_001128847.4 and 2 more transcripts).
Identifiers: ClinVar variation 537874 (VCV000537874.36), dbSNP rs1269190894, ClinGen allele CA505493403.

ClinVar aggregate classification (germline): Likely benign. Review status: criteria provided, multiple submitters, no conflicts (2 of 4 stars). 3 submissions from 3 submitters: Likely benign (3). Last evaluated 2025-08-11.

Conditions:
Rhabdoid tumor predisposition syndrome 2 (RTPS2). Identifiers: Orphanet 231108, Orphanet 69077, MedGen C2750074, MONDO:0013224, OMIM 613325.
Hereditary cancer-predisposing syndrome. Also called: Hereditary Cancer Syndrome; Tumor predisposition; Neoplastic Syndromes, Hereditary; Hereditary neoplastic syndrome. Identifiers: Orphanet 140162, MedGen C0027672, MeSH D009386, MONDO:0015356.

Allele frequency attached by ClinVar (database versions not stated): gnomAD exomes below 0.00001; TOPMed below 0.00001; gnomAD 0.00001.
gnomAD v4.1: 5 of 1,612,758 alleles (0.00031%); highest among the groups gnomAD compares: Non-Finnish European, 0.00042%; no homozygotes.

Submissions (3):

Labcorp Genetics (formerly Invitae), Labcorp
Classification: Likely benign for Rhabdoid tumor predisposition syndrome 2. Last evaluated: 2025-08-11. Review status: criteria provided, single submitter. Criteria: Invitae Variant Classification Sherloc (09022015). Collection method: clinical testing. Allele origin: germline.

CeGaT Center for Human Genetics Tuebingen
Classification: Likely benign. Last evaluated: 2024-04-01. Review status: criteria provided, single submitter. Criteria: CeGaT Center For Human Genetics Tuebingen Variant Classification Criteria Version 2. Collection method: clinical testing. Allele origin: germline. Affected: yes. Observed: 1 variant allele.
Comment: SMARCA4: BP4, BP7

Ambry Genetics
Classification: Likely benign for Hereditary cancer-predisposing syndrome. Last evaluated: 2019-11-26. Review status: criteria provided, single submitter. Criteria: Ambry Variant Classification Scheme 2023. Collection method: clinical testing. Allele origin: germline.